The following is an entry in ClinVar:

NM_001042492.3(NF1):c.6969del (p.Gln2324fs)

Gene: NF1 (neurofibromin 1; plus strand). Cytogenetic location: 17q11.2.
Variant type: Deletion.
Coding change: c.6969del on transcript NM_001042492.3 (MANE Select); coding-DNA position 6969, one base deleted (G; older notation c.6969delG).
Protein change: p.Gln2324fs; shifts the reading frame from glutamine 2324.
Molecular consequence: frameshift variant.
Genome position (GRCh38, 1-based): chr17:31,340,552, G deleted. VCF-style (leftmost placement, unchanged base first): chr17-31340551-TG-T. GRCh37 (hg19) VCF-style: chr17-29667569-TG-T.
Other names: c.6906delG, p.Gln2303Serfs (NM_000267.4); short protein forms Q2303fs, Q2324fs.
Identifiers: ClinVar variation 3655086 (VCV003655086.2).

ClinVar aggregate classification (germline): Pathogenic (1 of 4 stars; one submission).

Conditions:
Neurofibromatosis, type 1 (NF1). Also called: Peripheral type neurofibromatosis; VON RECKLINGHAUSEN DISEASE; NEUROFIBROMATOSIS, TYPE I, SOMATIC; Neurofibromatosis, type I. Identifiers: Orphanet 636, MedGen C0027831, MONDO:0018975, OMIM 162200. Disease mechanism: loss of function.

Submission:

Labcorp Genetics (formerly Invitae), Labcorp
Classification: Pathogenic for Neurofibromatosis, type 1. Last evaluated: 2024-06-04. Review status: criteria provided, single submitter. Criteria: Invitae Variant Classification Sherloc (09022015). Collection method: clinical testing. Allele origin: germline.
Comment: This sequence change creates a premature translational stop signal (p.Gln2303Serfs*22) in the NF1 gene. It is expected to result in an absent or disrupted protein product. Loss-of-function variants in NF1 are known to be pathogenic (PMID: 10712197, 23913538). This variant is not present in population databases (gnomAD no frequency). This variant has not been reported in the literature in individuals affected with NF1-related conditions. For these reasons, this variant has been classified as Pathogenic.

Literature cited by the submitters: PubMed 10712197; PubMed 23913538.